The following is an entry in ClinVar:

NM_001160372.4(TRAPPC9):c.2681G>A (p.Ser894Asn)

Gene: TRAPPC9 (trafficking protein particle complex subunit 9; minus strand). Cytogenetic location: 8q24.3.
Variant type: single nucleotide variant.
Coding change: c.2681G>A on transcript NM_001160372.4 (MANE Select); coding-DNA position 2681, G replaced by A.
Protein change: p.Ser894Asn; replaces serine 894 with asparagine.
Molecular consequence: missense variant. On other transcripts: non-coding transcript variant (1).
Genome position (GRCh38, 1-based): chr8:140,023,955, C>T on the plus strand (G>A on the coding strand, the complement: TRAPPC9 is on the minus strand). VCF-style: chr8-140023955-C-T. GRCh37 (hg19) VCF-style: chr8-141034052-C-T.
Other names: c.2654G>A, p.Ser885Asn (NM_001321646.2); c.2702G>A, p.Ser901Asn (NM_001374682.1); c.2681G>A, p.Ser894Asn (NM_001374683.1, NM_031466.8); c.2537G>A, p.Ser846Asn (NM_001374684.1); c.2975G>A (NM_031466.7); short protein forms S894N, S885N, S846N, S901N.
Identifiers: ClinVar variation 437044 (VCV000437044.22), dbSNP rs34181302, ClinGen allele CA4893005.
Genomic context (GRCh38, chr8:140,023,955, plus strand): 5'-AGACTCTAGAACAAGACGGCTGTGCGGCAGGAAGACATTTACCTGGTTGCTGGGAGGGTG[C>T]TGACTCGGGTGAAAAATACAGACGGCTCGACTTCTACATGCAGCCCCAGGGAGAGATTCC-3'
Protein context (NP_001153844.1, residues 884-904): VEPSVFFTRV[Ser894Asn]TLPATSTRQC

ClinVar aggregate classification (germline): Conflicting classifications of pathogenicity. Review status: criteria provided, conflicting classifications (1 of 4 stars). 6 submissions from 6 submitters: Uncertain significance (5); Likely benign (1). Last evaluated 2025-09-22.

Conditions:
Inborn genetic diseases. Identifiers: MedGen C0950123, MeSH D030342.
TRAPPC9-related disorder. Also called: TRAPPC9-related condition.
Intellectual developmental disorder, autosomal recessive 13. Also called: Intellectual disability, autosomal recessive 13. Identifiers: Orphanet 88616, MedGen C2750791, MONDO:0013173, OMIM 613192.

Allele frequency attached by ClinVar (database versions not stated): 1000 Genomes Project 0.00020; ESP Exome Variant Server 0.00023; gnomAD exomes 0.00003 and 0.00006; ExAC 0.00003; gnomAD 0.00029 and 0.00024; 1000 Genomes Project 30x 0.00016; TOPMed 0.00032.
gnomAD v4.1: 96 of 1,614,020 alleles (0.0059%); highest among the groups gnomAD compares: African/African-American, 0.091%; no homozygotes.

Submissions (6):

Labcorp Genetics (formerly Invitae), Labcorp
Classification: Uncertain significance. Last evaluated: 2025-09-22. Review status: criteria provided, single submitter. Criteria: Invitae Variant Classification Sherloc (09022015). Collection method: clinical testing. Allele origin: germline.
Comment: This sequence change replaces serine, which is neutral and polar, with asparagine, which is neutral and polar, at codon 992 of the TRAPPC9 protein (p.Ser992Asn). This variant is present in population databases (rs34181302, gnomAD 0.05%). This variant has not been reported in the literature in individuals affected with TRAPPC9-related conditions. ClinVar contains an entry for this variant (Variation ID: 437044). An algorithm developed to predict the effect of missense changes on protein structure and function (PolyPhen-2) suggests that this variant is likely to be tolerated. In summary, the available evidence is currently insufficient to determine the role of this variant in disease. Therefore, it has been classified as a Variant of Uncertain Significance.

Ambry Genetics
Classification: Likely benign for Inborn genetic diseases. Last evaluated: 2025-09-03. Review status: criteria provided, single submitter. Criteria: Ambry Variant Classification Scheme 2023. Collection method: clinical testing. Allele origin: germline.

PreventionGenetics, part of Exact Sciences
Classification: Uncertain significance for TRAPPC9-related condition. Last evaluated: 2025-05-22. Review status: criteria provided, single submitter. Criteria: ACMG Guidelines, 2015. Collection method: clinical testing. Allele origin: germline.
Comment: The TRAPPC9 c.2975G>A variant is predicted to result in the amino acid substitution p.Ser992Asn. To our knowledge, this variant has not been reported in the literature. This variant is reported in 0.056% of alleles in individuals of African descent in gnomAD. Although we suspect that this variant may be benign, at this time, the clinical significance of this variant is uncertain due to the absence of conclusive functional and genetic evidence.

Blueprint Genetics
Classification: Uncertain significance. Last evaluated: 2024-11-01. Review status: criteria provided, single submitter. Criteria: ACMG Guidelines, 2015. Collection method: clinical testing. Allele origin: germline.

Victorian Clinical Genetics Services, Murdoch Childrens Research Institute
Classification: Uncertain significance for Intellectual developmental disorder, autosomal recessive 13. Last evaluated: 2022-06-24. Review status: criteria provided, single submitter. Criteria: ACMG Guidelines, 2015. Collection method: clinical testing. Allele origin: germline. Inheritance: Autosomal recessive inheritance. Affected: yes.
Comment: Based on the classification scheme VCGS_Germline_v1.3.4, this variant is classified as VUS-3C. Following criteria are met: 0102 - Loss of function is a known mechanism of disease in this gene and is associated with TRAPPC9-related intellectual disability. (I) 0106 - This gene is associated with autosomal recessive disease. (I) 0200 - Variant is predicted to result in a missense amino acid change from serine to asparagine. (I) 0252 - This variant is homozygous. (I) 0304 - Variant is present in gnomAD <0.01 for a recessive condition (v3: 35 heterozygotes, 0 homozygotes). (SP) 0503 - Missense variant consistently predicted to be tolerated by multiple in silico tools or not conserved in placental mammals with a minor amino acid change. (SB) 0604 - Variant is not located in an established domain, motif, hotspot or informative constraint region. (I) 0705 - No comparable missense variants have previous evidence for pathogenicity. (I) 0809 - Previous evidence of pathogenicity for this variant is inconclusive. This variant has been previously classified in two clinical cases as a VUS (ClinVar). (I) 0905 - No published segregation evidence has been identified for this variant. (I) 1007 - No published functional evidence has been identified for this variant. (I) Legend: (SP) - Supporting pathogenic, (I) - Information, (SB) - Supporting benign

Genetic Services Laboratory, University of Chicago
Classification: Uncertain significance. Last evaluated: 2017-06-22. Review status: criteria provided, single submitter. Criteria: ACMG Guidelines, 2015. Collection method: clinical testing. Allele origin: germline. Affected: no.